The following is an entry in ClinVar:

ClinVar aggregate classification (germline): Uncertain significance. Review status: criteria provided, multiple submitters, no conflicts (2 of 4 stars). 2 submissions from 2 submitters: Uncertain significance (2). Last evaluated 2026-04-02.

Allele frequency attached by ClinVar (database versions not stated): TOPMed below 0.00001; gnomAD 0.00001.
gnomAD v4.1: 1 of 1,613,688 alleles (0.000062%); highest among the groups gnomAD compares: Non-Finnish European, 0.000085%; no homozygotes.

Submissions (2):

GeneDx
Classification: Uncertain significance. Last evaluated: 2026-04-02. Review status: criteria provided, single submitter. Criteria: GeneDx Variant Classification Process June 2021. Collection method: clinical testing. Allele origin: germline.
Comment: Not observed at significant frequency in large population cohorts (gnomAD); In silico analysis supports that this missense variant has a deleterious effect on protein structure/function; Has not been previously published as pathogenic or benign to our knowledge

Labcorp Genetics (formerly Invitae), Labcorp
Classification: Uncertain significance. Last evaluated: 2022-08-11. Review status: criteria provided, single submitter. Criteria: Invitae Variant Classification Sherloc (09022015). Collection method: clinical testing. Allele origin: germline.
Comment: In summary, the available evidence is currently insufficient to determine the role of this variant in disease. Therefore, it has been classified as a Variant of Uncertain Significance. Algorithms developed to predict the effect of missense changes on protein structure and function are either unavailable or do not agree on the potential impact of this missense change (SIFT: "Deleterious"; PolyPhen-2: "Probably Damaging"; Align-GVGD: "Class C0"). This variant has not been reported in the literature in individuals affected with SCN3A-related conditions. This variant is not present in population databases (gnomAD no frequency). This sequence change replaces tyrosine, which is neutral and polar, with cysteine, which is neutral and slightly polar, at codon 1294 of the SCN3A protein (p.Tyr1294Cys).

NM_006922.4(SCN3A):c.3881A>G (p.Tyr1294Cys)

Gene: SCN3A (sodium voltage-gated channel alpha subunit 3; minus strand). Cytogenetic location: 2q24.3.
Variant type: single nucleotide variant.
Coding change: c.3881A>G on transcript NM_006922.4 (MANE Select); coding-DNA position 3881, A replaced by G.
Protein change: p.Tyr1294Cys; replaces tyrosine 1294 with cysteine.
Molecular consequence: missense variant.
Genome position (GRCh38, 1-based): chr2:165,100,387, T>C on the plus strand (A>G on the coding strand, the complement: SCN3A is on the minus strand). VCF-style: chr2-165100387-T-C. GRCh37 (hg19) VCF-style: chr2-165956897-T-C.
Other names: c.3881A>G (NM_006922.3); c.3734A>G, p.Tyr1245Cys (NM_001081676.2, NM_001081677.2); short protein forms Y1245C, Y1294C.
Identifiers: ClinVar variation 2064108 (VCV002064108.6), dbSNP rs1167476104, ClinGen allele CA349028339.